The following is an entry in ClinVar:

ClinVar aggregate classification (germline): Uncertain significance (1 of 4 stars; one submission).

Conditions:
TBX3-related disorder. Also called: TBX3-related condition.

Submission:

PreventionGenetics, part of Exact Sciences
Classification: Uncertain significance for TBX3-related condition. Last evaluated: 2026-03-11. Review status: criteria provided, single submitter. Criteria: ACMG Guidelines, 2015. Collection method: clinical testing. Allele origin: germline.
Comment: The TBX3 c.1439C>T variant is predicted to result in the amino acid substitution p.Ala480Val. To our knowledge, this variant has not been reported in the literature. This variant is reported in 0.0059% of alleles in individuals of South Asian descent in gnomAD. At this time, the clinical significance of this variant is uncertain due to the absence of conclusive functional and genetic evidence.

NM_005996.4(TBX3):c.1379C>T (p.Ala460Val)

Gene: TBX3 (T-box transcription factor 3; minus strand). Cytogenetic location: 12q24.21.
Variant type: single nucleotide variant.
Coding change: c.1379C>T on transcript NM_005996.4 (MANE Select); coding-DNA position 1379, C replaced by T.
Protein change: p.Ala460Val; replaces alanine 460 with valine.
Molecular consequence: missense variant.
Genome position (GRCh38, 1-based): chr12:114,674,496, G>A on the plus strand (C>T on the coding strand, the complement: TBX3 is on the minus strand). VCF-style: chr12-114674496-G-A. GRCh37 (hg19) VCF-style: chr12-115112301-G-A.
Other names: c.1439C>T, p.Ala480Val (NM_016569.4); short protein forms A480V, A460V.
Identifiers: ClinVar variation 4995356 (VCV004995356.1).